The following is an entry in ClinVar:

NM_006031.6(PCNT):c.7913+32C>T

Gene: PCNT (pericentrin; plus strand). Cytogenetic location: 21q22.3.
Variant type: single nucleotide variant.
Coding change: c.7913+32C>T on transcript NM_006031.6 (MANE Select); 32 bases into the intron after coding-DNA position 7913, C replaced by T.
Molecular consequence: intron variant.
Genome position (GRCh38, 1-based): chr21:46,430,264, C>T. VCF-style: chr21-46430264-C-T. GRCh37 (hg19) VCF-style: chr21-47850178-C-T.
Other names: NC_000021.8:g.47850178C>T; c.7559+32C>T (NM_001315529.2).
Identifiers: ClinVar variation 159666 (VCV000159666.10), dbSNP rs57385578, ClinGen allele CA173110.
Genomic context (GRCh38, chr21:46,430,264, plus strand): 5'-GAGGTGCAGCAGGAGGTCCTCCAGCTGAGGTGCGCCTGATCCCCCTTCCTGGGACACTGG[C>T]GGGAGTCCCCCCGTTGTGCCATGTTTTCTTGGTGATGAAGGGAGACAGAACCTCTGGTGG-3'

ClinVar aggregate classification (germline): Benign. Review status: criteria provided, multiple submitters, no conflicts (2 of 4 stars). 3 submissions from 3 submitters: Benign (2). 1 of the submissions does not count toward it. Last evaluated 2018-07-08.

Allele frequency attached by ClinVar (database versions not stated): ESP Exome Variant Server 0.04990; TOPMed 0.06556; gnomAD 0.06573 and 0.07046; gnomAD exomes 0.07802 and 0.10088; 1000 Genomes Project 30x 0.10431; 1000 Genomes Project 0.10523; ExAC 0.10669.
gnomAD v4.1: 122,181 of 1,580,410 alleles (7.7%); highest among the groups gnomAD compares: East Asian, 20%; 5,972 homozygotes.

Submissions (12):

GeneDx
Classification: Benign. Last evaluated: 2018-07-08. Review status: criteria provided, single submitter. Criteria: GeneDx Variant Classification Process June 2021. Collection method: clinical testing. Allele origin: germline. Affected: yes.

Breakthrough Genomics
Classification: Benign. Review status: criteria provided, single submitter. Criteria: ACMG Guidelines, 2015. Collection method: not provided. Allele origin: germline. Inheritance: Autosomal recessive inheritance. Affected: yes.

Dr. Peter K. Rogan Lab, Western University
No classification provided (evidence only). Condition: Acute myeloid leukemia. Review status: no classification provided. Collection method: in vitro. Allele origin: not applicable. Functional consequence: retained intron. Not counted in ClinVar's aggregate classification.

Dr. Peter K. Rogan Lab, Western University
No classification provided (evidence only). Condition: Acute myeloid leukemia. Review status: no classification provided. Collection method: in vitro. Allele origin: not applicable. Functional consequence: retained intron. Not counted in ClinVar's aggregate classification.

Dr. Peter K. Rogan Lab, Western University
No classification provided (evidence only). Condition: Acute myeloid leukemia. Review status: no classification provided. Collection method: in vitro. Allele origin: not applicable. Functional consequence: retained intron. Not counted in ClinVar's aggregate classification.

Dr. Peter K. Rogan Lab, Western University
No classification provided (evidence only). Condition: Acute myeloid leukemia. Review status: no classification provided. Collection method: in vitro. Allele origin: not applicable. Functional consequence: retained intron. Not counted in ClinVar's aggregate classification.

Dr. Peter K. Rogan Lab, Western University
No classification provided (evidence only). Condition: Acute myeloid leukemia. Review status: no classification provided. Collection method: in vitro. Allele origin: not applicable. Functional consequence: retained intron. Not counted in ClinVar's aggregate classification.

Dr. Peter K. Rogan Lab, Western University
No classification provided (evidence only). Condition: Uterine corpus endometrial carcinoma. Review status: no classification provided. Collection method: in vitro. Allele origin: not applicable. Functional consequence: retained intron. Not counted in ClinVar's aggregate classification.

Dr. Peter K. Rogan Lab, Western University
No classification provided (evidence only). Condition: Uterine corpus endometrial carcinoma. Review status: no classification provided. Collection method: in vitro. Allele origin: not applicable. Functional consequence: retained intron. Not counted in ClinVar's aggregate classification.

Dr. Peter K. Rogan Lab, Western University
No classification provided (evidence only). Condition: Cholangiocarcinoma. Review status: no classification provided. Collection method: in vitro. Allele origin: not applicable. Functional consequence: retained intron. Not counted in ClinVar's aggregate classification.

Dr. Peter K. Rogan Lab, Western University
No classification provided (evidence only). Condition: Cholangiocarcinoma. Review status: no classification provided. Collection method: in vitro. Allele origin: not applicable. Functional consequence: retained intron. Not counted in ClinVar's aggregate classification.

Genetic Services Laboratory, University of Chicago
Classification: Likely benign. Review status: no assertion criteria provided. Collection method: clinical testing. Allele origin: germline. Inheritance: Autosomal recessive inheritance. Not counted in ClinVar's aggregate classification.
Comment: Likely benign based on allele frequency in 1000 Genomes Project or ESP global frequency and its presence in a patient with a rare or unrelated disease phenotype. NOT Sanger confirmed